The following is an entry in ClinVar:

ClinVar aggregate classification (germline): Uncertain significance (1 of 4 stars; one submission).

gnomAD v4.1: 51 of 1,614,190 alleles (0.0032%); highest among the groups gnomAD compares: South Asian, 0.022%; no homozygotes.

Submission:

CeGaT Center for Human Genetics Tuebingen
Classification: Uncertain significance. Last evaluated: 2025-08-01. Review status: criteria provided, single submitter. Criteria: CeGaT Center For Human Genetics Tuebingen Variant Classification Criteria Version 2. Collection method: clinical testing. Allele origin: germline. Affected: yes. Observed: 1 variant allele.
Comment: PIGT: PM2, PM3:Supporting

NM_015937.6(PIGT):c.1135C>T (p.Arg379Trp)

Gene: PIGT (phosphatidylinositol glycan anchor biosynthesis class T; plus strand). Cytogenetic location: 20q13.12.
Variant type: single nucleotide variant.
Coding change: c.1135C>T on transcript NM_015937.6 (MANE Select); coding-DNA position 1135, C replaced by T.
Protein change: p.Arg379Trp; replaces arginine 379 with tryptophan.
Molecular consequence: missense variant. On other transcripts: non-coding transcript variant (5), intron variant (1).
Genome position (GRCh38, 1-based): chr20:45,421,484, C>T. VCF-style: chr20-45421484-C-T. GRCh37 (hg19) VCF-style: chr20-44050124-C-T.
Other names: c.967C>T, p.Arg323Trp (NM_001184728.3); c.829C>T, p.Arg277Trp (NM_001184730.3); c.1033+791C>T (NM_001184729.3); short protein forms R277W, R323W, R379W.
Identifiers: ClinVar variation 4084064 (VCV004084064.8).